The following is an entry in ClinVar:

ClinVar aggregate classification (germline): Uncertain significance (1 of 4 stars; one submission).

Conditions:
Chuvash polycythemia. Also called: POLYCYTHEMIA, VHL-DEPENDENT. Identifiers: Orphanet 238557, MedGen C1837915, MONDO:0009892, OMIM 263400.
Von Hippel-Lindau syndrome (VHLS). Also called: von Hippel–Lindau syndrome; VHL syndrome; Von Hippel-Lindau. Identifiers: Orphanet 892, MedGen C0019562, MONDO:0008667, OMIM 193300. Disease mechanism: loss of function.

Submission:

Labcorp Genetics (formerly Invitae), Labcorp
Classification: Uncertain significance for Von Hippel-Lindau syndrome; Chuvash polycythemia. Last evaluated: 2024-04-16. Review status: criteria provided, single submitter. Criteria: Invitae Variant Classification Sherloc (09022015). Collection method: clinical testing. Allele origin: germline.
Comment: This sequence change falls in intron 1 of the VHL gene. It is not expected to change the encoded amino acid sequence of the VHL protein. However, this sequence change falls within a cryptic exon in the VHL gene, known as exon E1’, which is naturally expressed at low levels in several human tissues (PMID: 29891534). This variant is not present in population databases (gnomAD no frequency). This variant has not been reported in the literature in individuals affected with VHL-related conditions. ClinVar contains an entry for this variant (Variation ID: 2008476). Algorithms developed to predict the effect of sequence changes on RNA splicing suggest that this variant is not likely to affect RNA splicing. In summary, the available evidence is currently insufficient to determine the role of this variant in disease. Therefore, it has been classified as a Variant of Uncertain Significance.

Literature cited by the submitters: PubMed 29891534.

NM_000551.4(VHL):c.340+795del

Genes: VHL (von Hippel-Lindau tumor suppressor; plus strand), LOC107303340 (3p25 von Hippel-Lindau tumor suppressor, E3 ubiquitin protein ligase Alu-mediated recombination region; plus strand). Cytogenetic location: 3p25.3.
Variant type: Deletion.
Coding change: c.340+795del on transcript NM_000551.4 (MANE Select); 795 bases into the intron after coding-DNA position 340, one base deleted (A; older notation c.340+795delA).
Molecular consequence: intron variant. On other transcripts: frameshift variant (1).
Genome position (GRCh38, 1-based): chr3:10,142,982, A deleted; the last of 2 consecutive A bases (chr3:10,142,981-10,142,982); deleting either gives the same sequence. VCF-style (leftmost placement, unchanged base first): chr3-10142980-GA-G. GRCh37 (hg19) VCF-style: chr3-10184664-GA-G.
Other names: c.560del, p.Lys187fs (NM_001354723.2); c.340+795del (NM_198156.3); short protein forms K187fs.
Identifiers: ClinVar variation 2008476 (VCV002008476.4), dbSNP rs2470160310, ClinGen allele CA2580068450.